The following is an entry in ClinVar:

NM_004714.3(DYRK1B):c.112C>T (p.Arg38Trp)

Gene: DYRK1B (dual specificity tyrosine phosphorylation regulated kinase 1B; minus strand). Cytogenetic location: 19q13.2.
Variant type: single nucleotide variant.
Coding change: c.112C>T on transcript NM_004714.3 (MANE Select); coding-DNA position 112, C replaced by T.
Protein change: p.Arg38Trp; replaces arginine 38 with tryptophan.
Molecular consequence: missense variant.
Genome position (GRCh38, 1-based): chr19:39,830,735, G>A on the plus strand (C>T on the coding strand, the complement: DYRK1B is on the minus strand). VCF-style: chr19-39830735-G-A. GRCh37 (hg19) VCF-style: chr19-40321375-G-A.
Other names: c.112C>T, p.Arg38Trp (NM_006483.3, NM_006484.3); short protein forms R38W.
Identifiers: ClinVar variation 4245921 (VCV004245921.2).

ClinVar aggregate classification (germline): Uncertain significance. Review status: criteria provided, multiple submitters, no conflicts (2 of 4 stars). 2 submissions from 2 submitters: Uncertain significance (2). Last evaluated 2025-11-22.

Conditions:
Inborn genetic diseases. Identifiers: MedGen C0950123, MeSH D030342.

Submissions (2):

Labcorp Genetics (formerly Invitae), Labcorp
Classification: Uncertain significance. Last evaluated: 2025-11-22. Review status: criteria provided, single submitter. Criteria: Invitae Variant Classification Sherloc (09022015). Collection method: clinical testing. Allele origin: germline.
Comment: This sequence change replaces arginine, which is basic and polar, with tryptophan, which is neutral and slightly polar, at codon 38 of the DYRK1B protein (p.Arg38Trp). The frequency data for this variant in the population databases is considered unreliable, as metrics indicate poor data quality at this position in the gnomAD database. This variant has not been reported in the literature in individuals affected with DYRK1B-related conditions. ClinVar contains an entry for this variant (Variation ID: 4245921). An algorithm developed to predict the effect of missense changes on protein structure and function (PolyPhen-2) suggests that this variant is likely to be disruptive. In summary, the available evidence is currently insufficient to determine the role of this variant in disease. Therefore, it has been classified as a Variant of Uncertain Significance.

Ambry Genetics
Classification: Uncertain significance for Inborn genetic diseases. Last evaluated: 2025-08-19. Review status: criteria provided, single submitter. Criteria: Ambry Variant Classification Scheme 2023. Collection method: clinical testing. Allele origin: germline.